The following is an entry in ClinVar:

NM_032340.4(UQCC2):c.101G>A (p.Arg34Gln)

Gene: UQCC2 (ubiquinol-cytochrome c reductase complex assembly factor 2; minus strand). Cytogenetic location: 6p21.31.
Variant type: single nucleotide variant.
Coding change: c.101G>A on transcript NM_032340.4 (MANE Select); coding-DNA position 101, G replaced by A.
Protein change: p.Arg34Gln; replaces arginine 34 with glutamine.
Molecular consequence: missense variant.
Genome position (GRCh38, 1-based): chr6:33,711,586, C>T on the plus strand (G>A on the coding strand, the complement: UQCC2 is on the minus strand). VCF-style: chr6-33711586-C-T. GRCh37 (hg19) VCF-style: chr6-33679363-C-T.
Other names: short protein forms R34Q.
Identifiers: ClinVar variation 2499488 (VCV002499488.2), dbSNP rs368187806, ClinGen allele CA137114488.

ClinVar aggregate classification (germline): Pathogenic (0 of 4 stars; one submission).

Conditions:
Mitochondrial complex III deficiency nuclear type 7. Identifiers: MedGen C4014408, MONDO:0014356, OMIM 615824.

Allele frequency attached by ClinVar (database versions not stated): gnomAD exomes below 0.00001; TOPMed below 0.00001; ESP Exome Variant Server 0.00008.
gnomAD v4.1: 3 of 1,613,944 alleles (0.00019%); highest among the groups gnomAD compares: Non-Finnish European, 0.00025%; no homozygotes.

Submission:

Payam Genetics Center, General Welfare Department of North Khorasan Province
Classification: Pathogenic for Mitochondrial complex III deficiency nuclear type 7. Last evaluated: 2023-03-01. Review status: no assertion criteria provided. Collection method: clinical testing. Allele origin: germline. Affected: yes. Observed: 3 variant alleles.
Comment: The QUCC2 c.101G>A (p.R34Q) is a missense mutation and results at the protein level is a disfunctional protein, predicted lead to deasise. This variant is not present in population databases (ExAC no frequency) and was not found in 1000G, Genom AD exome, genome and Iranom. This variant has not been reported in the literature in individuals affected with UQCC2-related conditions . We classified this variant as Pathogenic according to the our clinical evidance from this patient.".